The following is an entry in ClinVar:

ClinVar aggregate classification (germline): Benign (0 of 4 stars; one submission).

Conditions:
CEP170B-related disorder. Also called: CEP170B-related condition.

Allele frequency attached by ClinVar (database versions not stated): 1000 Genomes Project 0.56370; 1000 Genomes Project 30x 0.57074; TOPMed 0.66514; gnomAD 0.67494; ExAC 0.72207; ESP Exome Variant Server 0.72733.
gnomAD v4.1: 1,126,705 of 1,521,516 alleles (74%); highest among the groups gnomAD compares: Middle Eastern, 82%; 427,457 homozygotes.

Submission:

PreventionGenetics, part of Exact Sciences
Classification: Benign for CEP170B-related condition. Last evaluated: 2019-10-17. Review status: no assertion criteria provided. Collection method: clinical testing. Allele origin: germline.
Comment: This variant is classified as benign based on ACMG/AMP sequence variant interpretation guidelines (Richards et al. 2015 PMID: 25741868, with internal and published modifications).

NM_001112726.3(CEP170B):c.3717A>G (p.Ser1239=)

Gene: CEP170B (centrosomal protein 170B; plus strand). Cytogenetic location: 14q32.33.
Variant type: single nucleotide variant.
Coding change: c.3717A>G on transcript NM_001112726.3 (MANE Select); coding-DNA position 3717, A replaced by G.
Protein change: p.Ser1239=; no amino-acid change (serine 1239 retained).
Molecular consequence: synonymous variant.
Genome position (GRCh38, 1-based): chr14:104,887,956, A>G. VCF-style: chr14-104887956-A-G. GRCh37 (hg19) VCF-style: chr14-105354293-A-G.
Other names: c.3507A>G, p.Ser1169= (NM_015005.3).
Identifiers: ClinVar variation 3060376 (VCV003060376.2), dbSNP rs2582548, ClinGen allele CA7376188.